The following is an entry in ClinVar:

ClinVar aggregate classification (germline): Uncertain significance (1 of 4 stars; one submission).

Allele frequency attached by ClinVar (database versions not stated): gnomAD exomes below 0.00001.
gnomAD v4.1: 1 of 1,613,978 alleles (0.000062%); highest among the groups gnomAD compares: Non-Finnish European, 0.000085%; no homozygotes.

Submission:

GeneDx
Classification: Uncertain significance. Last evaluated: 2024-02-04. Review status: criteria provided, single submitter. Criteria: GeneDx Variant Classification Process June 2021. Collection method: clinical testing. Allele origin: germline. Affected: yes.
Comment: Not observed at significant frequency in large population cohorts (gnomAD); In silico analysis supports that this missense variant has a deleterious effect on protein structure/function; Has not been previously published as pathogenic or benign to our knowledge

NM_001170629.2(CHD8):c.3785C>G (p.Ser1262Cys)

Gene: CHD8 (chromodomain helicase DNA binding protein 8; minus strand). Cytogenetic location: 14q11.2.
Variant type: single nucleotide variant.
Coding change: c.3785C>G on transcript NM_001170629.2 (MANE Select); coding-DNA position 3785, C replaced by G.
Protein change: p.Ser1262Cys; replaces serine 1262 with cysteine.
Molecular consequence: missense variant.
Genome position (GRCh38, 1-based): chr14:21,402,433, G>C on the plus strand (C>G on the coding strand, the complement: CHD8 is on the minus strand). VCF-style: chr14-21402433-G-C. GRCh37 (hg19) VCF-style: chr14-21870592-G-C.
Other names: c.2948C>G, p.Ser983Cys (NM_020920.4); short protein forms S1262C, S983C.
Identifiers: ClinVar variation 1675269 (VCV001675269.3), dbSNP rs2139467272, ClinGen allele CA388898902.